The following is an entry in ClinVar:

NM_001282933.2(ZNF341):c.1921_1922del (p.Met641fs)

Genes: ZNF341 (zinc finger protein 341; plus strand), ZNF341-AS1 (ZNF341 antisense RNA 1; minus strand). Cytogenetic location: 20q11.22.
Variant type: Deletion.
Coding change: c.1921_1922del on transcript NM_001282933.2 (MANE Select); coding-DNA positions 1921 to 1922, 2 bases deleted (AT; older notation c.1921_1922delAT).
Protein change: p.Met641fs; shifts the reading frame from methionine 641.
Molecular consequence: frameshift variant. On other transcripts: non-coding transcript variant (1).
Genome position (GRCh38, 1-based): chr20:33,788,931-33,788,932, AT deleted. VCF-style (leftmost placement, unchanged base first): chr20-33788930-CAT-C. GRCh37 (hg19) VCF-style: chr20-32376736-CAT-C.
Other names: c.1651_1652del, p.Met551fs (NM_001282935.2); c.1900_1901del, p.Met634fs (NM_032819.5); short protein forms M634fs, M551fs, M641fs.
Identifiers: ClinVar variation 2109712 (VCV002109712.4), dbSNP rs2515509700, ClinGen allele CA2580098086.

ClinVar aggregate classification (germline): Pathogenic (1 of 4 stars; one submission).

Submission:

Labcorp Genetics (formerly Invitae), Labcorp
Classification: Pathogenic. Last evaluated: 2022-03-12. Review status: criteria provided, single submitter. Criteria: Invitae Variant Classification Sherloc (09022015). Collection method: clinical testing. Allele origin: germline.
Comment: This sequence change creates a premature translational stop signal (p.Met634Valfs*21) in the ZNF341 gene. It is expected to result in an absent or disrupted protein product. Loss-of-function variants in ZNF341 are known to be pathogenic (PMID: 29907690, 29907691). This variant is not present in population databases (gnomAD no frequency). This variant has not been reported in the literature in individuals affected with ZNF341-related conditions. For these reasons, this variant has been classified as Pathogenic.

Literature cited by the submitters: PubMed 29907690; PubMed 29907691.